The following is an entry in ClinVar:

ClinVar aggregate classification (germline): Likely benign. Review status: criteria provided, multiple submitters, no conflicts (2 of 4 stars). 5 submissions from 5 submitters: Likely benign (5). Last evaluated 2025-06-06.

Allele frequency attached by ClinVar (database versions not stated): gnomAD 0.00009; TOPMed 0.00012; ESP Exome Variant Server 0.00015; 1000 Genomes Project 30x 0.00016.
gnomAD v4.1: 295 of 1,606,538 alleles (0.018%); highest among the groups gnomAD compares: Middle Eastern, 0.45%; no homozygotes.

Submissions (5):

Labcorp Genetics (formerly Invitae), Labcorp
Classification: Likely benign. Last evaluated: 2025-06-06. Review status: criteria provided, single submitter. Criteria: Invitae Variant Classification Sherloc (09022015). Collection method: clinical testing. Allele origin: germline.

Blueprint Genetics
Classification: Likely benign. Last evaluated: 2024-11-19. Review status: criteria provided, single submitter. Criteria: ACMG Guidelines, 2015. Collection method: clinical testing. Allele origin: germline.

GeneDx
Classification: Likely benign. Last evaluated: 2018-06-15. Review status: criteria provided, single submitter. Criteria: GeneDx Variant Classification Process June 2021. Collection method: clinical testing. Allele origin: germline. Affected: yes.

Laboratory for Molecular Medicine, Mass General Brigham Personalized Medicine
Classification: Likely benign. Last evaluated: 2013-09-07. Review status: criteria provided, single submitter. Criteria: LMM Criteria. Collection method: clinical testing. Allele origin: germline. Observed: 1 variant allele.
Comment: Ser953Ser in Exon 19E of TJP2: This variant is not expected to have clinical sig nificance because it does not alter an amino acid residue and it is not located within the splice consensus sequence. This variant has been identified in 0.02% (2/8598) of European American chromosomes by the NHLBI Exome Sequencing Project.

PreventionGenetics, part of Exact Sciences
Classification: Likely benign. Review status: criteria provided, single submitter. Criteria: ACMG Guidelines, 2015. Collection method: clinical testing. Allele origin: germline.

NM_004817.4(TJP2):c.2859G>T (p.Ser953=)

Gene: TJP2 (tight junction protein 2; plus strand). Cytogenetic location: 9q21.11.
Variant type: single nucleotide variant.
Coding change: c.2859G>T on transcript NM_004817.4 (MANE Select); coding-DNA position 2859, G replaced by T.
Protein change: p.Ser953=; no amino-acid change (serine 953 retained).
Molecular consequence: synonymous variant. On other transcripts: intron variant (1).
Genome position (GRCh38, 1-based): chr9:69,248,203, G>T. VCF-style: chr9-69248203-G-T. GRCh37 (hg19) VCF-style: chr9-71863119-G-T.
Other names: c.2790G>T, p.Ser930= (NM_001170414.2, NM_001369871.1); c.2871G>T, p.Ser957= (NM_001170415.1, NM_001369874.1, NM_001369875.1); c.2952G>T, p.Ser984= (NM_001170416.2); c.2784G>T, p.Ser928= (NM_001369870.1); c.2859G>T, p.Ser953= (NM_001369872.1, NM_201629.3); c.2667+1413G>T (NM_001369873.1).
Identifiers: ClinVar variation 165420 (VCV000165420.18), dbSNP rs369972534, ClinGen allele CA178186.